The following is an entry in ClinVar:

NM_130837.3(OPA1):c.1857del (p.Asp620fs)

Genes: OPA1 (OPA1 mitochondrial dynamin like GTPase; plus strand), LOC126806913 (BRD4-independent group 4 enhancer GRCh37_chr3:193364377-193365576; plus strand). Cytogenetic location: 3q29.
Variant type: Deletion.
Coding change: c.1857del on transcript NM_130837.3 (MANE Select); coding-DNA position 1857, one base deleted (T; older notation c.1857delT).
Protein change: p.Asp620fs; shifts the reading frame from aspartic acid 620.
Molecular consequence: frameshift variant.
Genome position (GRCh38, 1-based): chr3:193,647,167, T deleted. VCF-style (leftmost placement, unchanged base first): chr3-193647166-CT-C. GRCh37 (hg19) VCF-style: chr3-193364955-CT-C.
Other names: c.1323del, p.Asp442fs (NM_001354663.2); c.1320del, p.Asp441fs (NM_001354664.2); c.1692del, p.Asp565fs (NM_015560.3); c.1584del, p.Asp529fs (NM_130831.3); c.1638del, p.Asp547fs (NM_130832.3); c.1695del, p.Asp566fs (NM_130833.3); c.1746del, p.Asp583fs (NM_130834.3); c.1749del, p.Asp584fs (NM_130835.3); and 1 more; short protein forms D442fs, D529fs, D566fs, D583fs, D602fs, D441fs, D547fs, D584fs.
Identifiers: ClinVar variation 1447795 (VCV001447795.6), dbSNP rs2109070551, ClinGen allele CA2573136859.

ClinVar aggregate classification (germline): Pathogenic (1 of 4 stars; one submission).

Submission:

Labcorp Genetics (formerly Invitae), Labcorp
Classification: Pathogenic. Last evaluated: 2020-10-25. Review status: criteria provided, single submitter. Criteria: Invitae Variant Classification Sherloc (09022015). Collection method: clinical testing. Allele origin: germline.
Comment: For these reasons, this variant has been classified as Pathogenic. This variant has not been reported in the literature in individuals with OPA1-related conditions. This variant is not present in population databases (ExAC no frequency). This sequence change creates a premature translational stop signal (p.Asp565Ilefs*44) in the OPA1 gene. It is expected to result in an absent or disrupted protein product. Loss-of-function variants in OPA1 are known to be pathogenic (PMID: 11440988, 20157015, 20952381, 25012220).

Literature cited by the submitters: PubMed 11440988; PubMed 20157015; PubMed 20952381; PubMed 25012220.